The following is an entry in ClinVar:

NM_000548.5(TSC2):c.772A>C (p.Lys258Gln)

Gene: TSC2 (TSC complex subunit 2; plus strand). Cytogenetic location: 16p13.3.
Variant type: single nucleotide variant.
Coding change: c.772A>C on transcript NM_000548.5 (MANE Select); coding-DNA position 772, A replaced by C.
Protein change: p.Lys258Gln; replaces lysine 258 with glutamine.
Molecular consequence: missense variant.
Genome position (GRCh38, 1-based): chr16:2,056,767, A>C. VCF-style: chr16-2056767-A-C. GRCh37 (hg19) VCF-style: chr16-2106768-A-C.
Other names: c.772A>C, p.Lys258Gln (NM_001077183.3, NM_001114382.3, NM_021055.3 and 6 more transcripts); c.661A>C, p.Lys221Gln (NM_001318827.2, NM_001406678.1, NM_001406670.1); c.625A>C, p.Lys209Gln (NM_001318829.2, NM_001406675.1, NM_001406676.1 and 1 more transcripts); c.172A>C, p.Lys58Gln (NM_001318831.2, NM_001406680.1, NM_001406682.1 and 6 more transcripts); c.760A>C, p.Lys254Gln (NM_001406671.1, NM_001406673.1); c.715A>C, p.Lys239Gln (NM_001406677.1); c.310A>C, p.Lys104Gln (NM_001406681.1); c.-660A>C (NM_001406689.1, NM_001406690.1, NM_001406691.1 and 4 more transcripts); and 4 more; short protein forms K221Q, K254Q, K258Q, K58Q, K209Q, K269Q, K288Q, K104Q.
Identifiers: ClinVar variation 2110378 (VCV002110378.5), dbSNP rs2151081843, ClinGen allele CA394312835.

ClinVar aggregate classification (germline): Uncertain significance. Review status: criteria provided, multiple submitters, no conflicts (2 of 4 stars). 2 submissions from 2 submitters: Uncertain significance (2). Last evaluated 2025-04-03.

Conditions:
Hereditary cancer-predisposing syndrome. Also called: Hereditary Cancer Syndrome; Tumor predisposition; Neoplastic Syndromes, Hereditary; Hereditary neoplastic syndrome. Identifiers: Orphanet 140162, MedGen C0027672, MeSH D009386, MONDO:0015356.
Tuberous sclerosis 2 (TSC2). Identifiers: Orphanet 805, MedGen C1860707, MONDO:0013199, OMIM 613254.

gnomAD v4.1: 1 of 1,608,182 alleles (0.000062%); no homozygotes.

Submissions (2):

Ambry Genetics
Classification: Uncertain significance for Hereditary cancer-predisposing syndrome. Last evaluated: 2025-04-03. Review status: criteria provided, single submitter. Criteria: Ambry Variant Classification Scheme 2023. Collection method: clinical testing. Allele origin: germline.
Comment: The p.K258Q variant (also known as c.772A>C), located in coding exon 7 of the TSC2 gene, results from an A to C substitution at nucleotide position 772. The lysine at codon 258 is replaced by glutamine, an amino acid with similar properties. This amino acid position is conserved. In addition, the in silico prediction for this alteration is inconclusive. Based on the available evidence, the clinical significance of this variant remains unclear.

Labcorp Genetics (formerly Invitae), Labcorp
Classification: Uncertain significance for Tuberous sclerosis 2. Last evaluated: 2022-11-18. Review status: criteria provided, single submitter. Criteria: Invitae Variant Classification Sherloc (09022015). Collection method: clinical testing. Allele origin: germline.
Comment: This sequence change replaces lysine, which is basic and polar, with glutamine, which is neutral and polar, at codon 258 of the TSC2 protein (p.Lys258Gln). In summary, the available evidence is currently insufficient to determine the role of this variant in disease. Therefore, it has been classified as a Variant of Uncertain Significance. Algorithms developed to predict the effect of missense changes on protein structure and function (SIFT, PolyPhen-2, Align-GVGD) all suggest that this variant is likely to be disruptive. This variant has not been reported in the literature in individuals affected with TSC2-related conditions. This variant is not present in population databases (gnomAD no frequency).